The following is an entry in ClinVar:

ClinVar aggregate classification (germline): Uncertain significance (1 of 4 stars; one submission).

gnomAD v4.1: 46 of 1,613,606 alleles (0.0029%); highest among the groups gnomAD compares: East Asian, 0.0045%; no homozygotes.

Submission:

Labcorp Genetics (formerly Invitae), Labcorp
Classification: Uncertain significance. Last evaluated: 2025-07-25. Review status: criteria provided, single submitter. Criteria: Invitae Variant Classification Sherloc (09022015). Collection method: clinical testing. Allele origin: germline.
Comment: This sequence change replaces glycine, which is neutral and non-polar, with arginine, which is basic and polar, at codon 1675 of the DOCK6 protein (p.Gly1675Arg). This variant is present in population databases (rs775978671, gnomAD 0.006%). This variant has not been reported in the literature in individuals affected with DOCK6-related conditions. Invitae Evidence Modeling of protein sequence and biophysical properties (such as structural, functional, and spatial information, amino acid conservation, physicochemical variation, residue mobility, and thermodynamic stability) has been performed for this missense variant. However, the output from this modeling did not meet the statistical confidence thresholds required to predict the impact of this variant on DOCK6 protein function. In summary, the available evidence is currently insufficient to determine the role of this variant in disease. Therefore, it has been classified as a Variant of Uncertain Significance.

NM_020812.4(DOCK6):c.5023G>A (p.Gly1675Arg)

Genes: DOCK6 (dedicator of cytokinesis 6; minus strand), DOCK6-AS1 (DOCK6 antisense RNA 1; plus strand). Cytogenetic location: 19p13.2.
Variant type: single nucleotide variant.
Coding change: c.5023G>A on transcript NM_020812.4 (MANE Select); coding-DNA position 5023, G replaced by A.
Protein change: p.Gly1675Arg; replaces glycine 1675 with arginine.
Molecular consequence: missense variant.
Genome position (GRCh38, 1-based): chr19:11,208,751, C>T on the plus strand (G>A on the coding strand, the complement: DOCK6 is on the minus strand). VCF-style: chr19-11208751-C-T. GRCh37 (hg19) VCF-style: chr19-11319427-C-T.
Other names: c.5128G>A, p.Gly1710Arg (NM_001367830.1); short protein forms G1710R, G1675R.
Identifiers: ClinVar variation 4753200 (VCV004753200.1).